The following is an entry in ClinVar:

ClinVar aggregate classification (germline): Uncertain significance. Review status: criteria provided, multiple submitters, no conflicts (2 of 4 stars). 2 submissions from 2 submitters: Uncertain significance (2). Last evaluated 2026-03-26.

Conditions:
Hypertrophic cardiomyopathy. Also called: HYPERTROPHIC MYOCARDIOPATHY. Identifiers: Orphanet 217569, MedGen C0007194, MeSH D002312, MONDO:0005045, HP:0001639.
Cardiovascular phenotype. Identifiers: MedGen CN230736.

Submissions (2):

Ambry Genetics
Classification: Uncertain significance for Cardiovascular phenotype. Last evaluated: 2026-03-26. Review status: criteria provided, single submitter. Criteria: Ambry Variant Classification Scheme 2023. Collection method: clinical testing. Allele origin: germline.
Comment: The p.N89D variant (also known as c.265A>G), located in coding exon 3 of the TPM1 gene, results from an A to G substitution at nucleotide position 265. The asparagine at codon 89 is replaced by aspartic acid, an amino acid with highly similar properties. This amino acid position is highly conserved in available vertebrate species. In addition, this alteration is predicted to be deleterious by in silico analysis. Based on the available evidence, the clinical significance of this variant remains unclear.

Labcorp Genetics (formerly Invitae), Labcorp
Classification: Uncertain significance for Hypertrophic cardiomyopathy. Last evaluated: 2025-06-29. Review status: criteria provided, single submitter. Criteria: Invitae Variant Classification Sherloc (09022015). Collection method: clinical testing. Allele origin: germline.
Comment: This sequence change replaces asparagine, which is neutral and polar, with aspartic acid, which is acidic and polar, at codon 89 of the TPM1 protein (p.Asn89Asp). This variant is not present in population databases (gnomAD no frequency). This variant has not been reported in the literature in individuals affected with TPM1-related conditions. An algorithm developed to predict the effect of missense changes on protein structure and function (PolyPhen-2) suggests that this variant is likely to be disruptive. In summary, the available evidence is currently insufficient to determine the role of this variant in disease. Therefore, it has been classified as a Variant of Uncertain Significance.

NM_001018005.2(TPM1):c.265A>G (p.Asn89Asp)

Gene: TPM1 (tropomyosin 1; plus strand). Cytogenetic location: 15q22.2.
Variant type: single nucleotide variant.
Coding change: c.265A>G on transcript NM_001018005.2 (MANE Select); coding-DNA position 265, A replaced by G.
Protein change: p.Asn89Asp; replaces asparagine 89 with aspartic acid.
Molecular consequence: missense variant. On other transcripts: non-coding transcript variant (17).
Genome position (GRCh38, 1-based): chr15:63,057,009, A>G. VCF-style: chr15-63057009-A-G. GRCh37 (hg19) VCF-style: chr15-63349208-A-G.
Other names: c.265A>G, p.Asn89Asp (NM_001407331.1, NM_001407332.1, NM_001407333.1 and 20 more transcripts); c.157A>G, p.Asn53Asp (NM_001407340.1, NM_001407341.1, NM_001407342.1 and 9 more transcripts); c.391A>G, p.Asn131Asp (NM_001365778.1, NM_001407322.1, NM_001407323.1 and 1 more transcripts); c.265A>G (NM_001018005.1); short protein forms N131D, N53D, N89D.
Identifiers: ClinVar variation 4722301 (VCV004722301.2).